The following is an entry in ClinVar:

NM_014003.4(DHX38):c.2557C>T (p.Arg853Trp)

Gene: DHX38 (DEAH-box helicase 38; plus strand). Cytogenetic location: 16q22.2.
Variant type: single nucleotide variant.
Coding change: c.2557C>T on transcript NM_014003.4 (MANE Select); coding-DNA position 2557, C replaced by T.
Protein change: p.Arg853Trp; replaces arginine 853 with tryptophan.
Molecular consequence: missense variant.
Genome position (GRCh38, 1-based): chr16:72,106,074, C>T. VCF-style: chr16-72106074-C-T. GRCh37 (hg19) VCF-style: chr16-72139973-C-T.
Other names: short protein forms R853W.
Identifiers: ClinVar variation 969091 (VCV000969091.10), dbSNP rs1447959827, ClinGen allele CA396713090.

ClinVar aggregate classification (germline): Uncertain significance (1 of 4 stars; one submission).

Allele frequency attached by ClinVar (database versions not stated): TOPMed 0.00001; gnomAD 0.00002.

Submission:

Labcorp Genetics (formerly Invitae), Labcorp
Classification: Uncertain significance. Last evaluated: 2024-01-19. Review status: criteria provided, single submitter. Criteria: Invitae Variant Classification Sherloc (09022015). Collection method: clinical testing. Allele origin: germline.
Comment: This sequence change replaces arginine, which is basic and polar, with tryptophan, which is neutral and slightly polar, at codon 853 of the DHX38 protein (p.Arg853Trp). This variant is present in population databases (no rsID available, gnomAD 0.01%). This variant has not been reported in the literature in individuals affected with DHX38-related conditions. ClinVar contains an entry for this variant (Variation ID: 969091). Advanced modeling of protein sequence and biophysical properties (such as structural, functional, and spatial information, amino acid conservation, physicochemical variation, residue mobility, and thermodynamic stability) performed at Invitae indicates that this missense variant is expected to disrupt DHX38 protein function with a positive predictive value of 80%. In summary, the available evidence is currently insufficient to determine the role of this variant in disease. Therefore, it has been classified as a Variant of Uncertain Significance.